The following is an entry in ClinVar:

NM_014844.5(TECPR2):c.952-239T>C

Gene: TECPR2 (tectonin beta-propeller repeat containing 2; plus strand). Cytogenetic location: 14q32.31.
Variant type: single nucleotide variant.
Coding change: c.952-239T>C on transcript NM_014844.5 (MANE Select); 239 bases into the intron before coding-DNA position 952, T replaced by C.
Molecular consequence: intron variant.
Genome position (GRCh38, 1-based): chr14:102,428,011, T>C. VCF-style: chr14-102428011-T-C. GRCh37 (hg19) VCF-style: chr14-102894348-T-C.
Other names: c.952-239T>C (NM_001172631.3).
Identifiers: ClinVar variation 672794 (VCV000672794.1), dbSNP rs114690031, ClinGen allele CA267054013.

ClinVar aggregate classification (germline): Benign (1 of 4 stars; one submission).

Allele frequency attached by ClinVar (database versions not stated): gnomAD 0.04080 and 0.04085; 1000 Genomes Project 30x 0.04169; 1000 Genomes Project 0.04213; TOPMed 0.04253.
gnomAD v4.1: 6,242 of 152,222 alleles (4.1%); highest among the groups gnomAD compares: Middle Eastern, 9.2%; 148 homozygotes.

Submission:

GeneDx
Classification: Benign. Last evaluated: 2018-06-14. Review status: criteria provided, single submitter. Criteria: GeneDx Variant Classification (06012015). Collection method: clinical testing. Allele origin: germline. Affected: yes.
Comment: This variant is considered likely benign or benign based on one or more of the following criteria: it is a conservative change, it occurs at a poorly conserved position in the protein, it is predicted to be benign by multiple in silico algorithms, and/or has population frequency not consistent with disease.